The following is an entry in ClinVar:

NM_205836.3(FBXO38):c.79A>G (p.Lys27Glu)

Gene: FBXO38 (F-box protein 38; plus strand). Cytogenetic location: 5q32.
Variant type: single nucleotide variant.
Coding change: c.79A>G on transcript NM_205836.3 (MANE Select); coding-DNA position 79, A replaced by G.
Protein change: p.Lys27Glu; replaces lysine 27 with glutamic acid.
Molecular consequence: missense variant.
Genome position (GRCh38, 1-based): chr5:148,394,855, A>G. VCF-style: chr5-148394855-A-G. GRCh37 (hg19) VCF-style: chr5-147774418-A-G.
Other names: c.79A>G, p.Lys27Glu (NM_001271723.2, NM_030793.5); short protein forms K27E.
Identifiers: ClinVar variation 3712903 (VCV003712903.2).

ClinVar aggregate classification (germline): Uncertain significance (1 of 4 stars; one submission).

Conditions:
Distal hereditary motor neuropathy type 2. Identifiers: Orphanet 139525, MedGen C3711384, MeSH C580044, MONDO:0015352.

gnomAD v4.1: 3 of 1,603,064 alleles (0.00019%); highest among the groups gnomAD compares: Non-Finnish European, 0.00026%; no homozygotes.

Submission:

Labcorp Genetics (formerly Invitae), Labcorp
Classification: Uncertain significance for Distal hereditary motor neuropathy type 2. Last evaluated: 2025-11-07. Review status: criteria provided, single submitter. Criteria: Invitae Variant Classification Sherloc (09022015). Collection method: clinical testing. Allele origin: germline.
Comment: This sequence change replaces lysine, which is basic and polar, with glutamic acid, which is acidic and polar, at codon 27 of the FBXO38 protein (p.Lys27Glu). This variant is not present in population databases (gnomAD no frequency). This variant has not been reported in the literature in individuals affected with FBXO38-related conditions. ClinVar contains an entry for this variant (Variation ID: 3712903). Invitae Evidence Modeling of protein sequence and biophysical properties (such as structural, functional, and spatial information, amino acid conservation, physicochemical variation, residue mobility, and thermodynamic stability) indicates that this missense variant is not expected to disrupt FBXO38 protein function with a negative predictive value of 80%. In summary, the available evidence is currently insufficient to determine the role of this variant in disease. Therefore, it has been classified as a Variant of Uncertain Significance.